The following is an entry in ClinVar:

ClinVar aggregate classification (germline): Uncertain significance (1 of 4 stars; one submission).

Conditions:
Ataxia-telangiectasia syndrome (AT). Also called: Cerebello-oculocutaneous telangiectasia; ATAXIA-TELANGIECTASIA, COMPLEMENTATION GROUP A; ATAXIA-TELANGIECTASIA, FRESNO VARIANT; Ataxia-telangiectasia, complementation group D; AT, COMPLEMENTATION GROUP C; Immunodeficiency with ataxia telangiectasia. Identifiers: Orphanet 100, MedGen C0004135, MONDO:0008840, OMIM 208900.

Submission:

Labcorp Genetics (formerly Invitae), Labcorp
Classification: Uncertain significance for Ataxia-telangiectasia syndrome. Last evaluated: 2022-08-19. Review status: criteria provided, single submitter. Criteria: Invitae Variant Classification Sherloc (09022015). Collection method: clinical testing. Allele origin: germline.
Comment: This variant is not present in population databases (gnomAD no frequency). This variant has not been reported in the literature in individuals affected with ATM-related conditions. Advanced modeling of protein sequence and biophysical properties (such as structural, functional, and spatial information, amino acid conservation, physicochemical variation, residue mobility, and thermodynamic stability) performed at Invitae indicates that this missense variant is not expected to disrupt ATM protein function. In summary, the available evidence is currently insufficient to determine the role of this variant in disease. Therefore, it has been classified as a Variant of Uncertain Significance. This sequence change replaces leucine, which is neutral and non-polar, with valine, which is neutral and non-polar, at codon 1718 of the ATM protein (p.Leu1718Val).

NM_000051.4(ATM):c.5152C>G (p.Leu1718Val)

Gene: ATM (ATM serine/threonine kinase; plus strand). Cytogenetic location: 11q22.3.
Variant type: single nucleotide variant.
Coding change: c.5152C>G on transcript NM_000051.4 (MANE Select); coding-DNA position 5152, C replaced by G.
Protein change: p.Leu1718Val; replaces leucine 1718 with valine.
Molecular consequence: missense variant.
Genome position (GRCh38, 1-based): chr11:108,299,860, C>G. VCF-style: chr11-108299860-C-G. GRCh37 (hg19) VCF-style: chr11-108170587-C-G.
Other names: c.5152C>G, p.Leu1718Val (NM_001351834.2); short protein forms L1718V.
Identifiers: ClinVar variation 1717009 (VCV001717009.5), dbSNP rs2135892581, ClinGen allele CA382541053.